The following is an entry in ClinVar:

NM_001323289.2(CDKL5):c.2247_2250dup (p.Lys751fs)

Gene: CDKL5 (cyclin dependent kinase like 5; plus strand). Cytogenetic location: Xp22.13.
Variant type: Duplication.
Coding change: c.2247_2250dup on transcript NM_001323289.2 (MANE Select); coding-DNA positions 2247 to 2250, 4 bases duplicated (CTCA; older notation c.2247_2250dupCTCA).
Protein change: p.Lys751fs; shifts the reading frame from lysine 751.
Molecular consequence: frameshift variant.
Genome position (GRCh38, 1-based): chrX:18,613,246-18,613,249, CTCA duplicated; duplicating any 4 consecutive bases within chrX:18,613,244-18,613,249 gives the same sequence; the c. name uses the placement nearest the transcript's 3' end. VCF-style (leftmost placement, unchanged base first): chrX-18613243-C-CCACT. GRCh37 (hg19) VCF-style: chrX-18631363-C-CCACT.
Other names: c.2247_2250dup, p.Lys751fs (NM_001037343.2, NM_003159.3); short protein forms K751fs.
Identifiers: ClinVar variation 2952563 (VCV002952563.3), dbSNP rs2518884926, ClinGen allele CA2740092048.
Genomic context (GRCh38, chrX:18,613,243, plus strand): 5'-TGAAAATAATGTGTCAACTAGAGTTTCTTCTCTACCATCAGAGAGCAGTTCTGGAACCAA[C>CCACT]CACTCAAAAAGACAACCAGCATTCGATCCATGGTGAGCATTTTGGTTTGTTTTTACTCTT-3'

ClinVar aggregate classification (germline): Pathogenic (1 of 4 stars; one submission).

Conditions:
Developmental and epileptic encephalopathy, 2 (DEE2). Also called: INFANTILE SPASM SYNDROME, X-LINKED 2; CDKL5 deficiency disorder. Identifiers: Orphanet 1934, Orphanet 3451, Orphanet 505652, MedGen C4750718, MONDO:0010396, OMIM 300672.
Angelman syndrome-like. Identifiers: MedGen CN128785.

Submission:

Labcorp Genetics (formerly Invitae), Labcorp
Classification: Pathogenic for Developmental and epileptic encephalopathy, 2; Angelman syndrome-like. Last evaluated: 2023-10-05. Review status: criteria provided, single submitter. Criteria: Invitae Variant Classification Sherloc (09022015). Collection method: clinical testing. Allele origin: germline.
Comment: This sequence change creates a premature translational stop signal (p.Lys751Leufs*14) in the CDKL5 gene. It is expected to result in an absent or disrupted protein product. Loss-of-function variants in CDKL5 are known to be pathogenic (PMID: 22872100). This variant is not present in population databases (gnomAD no frequency). This variant has not been reported in the literature in individuals affected with CDKL5-related conditions. For these reasons, this variant has been classified as Pathogenic.

Literature cited by the submitters: PubMed 22872100.